The following is an entry in ClinVar:

NM_000191.3(HMGCL):c.145-13C>T

Gene: HMGCL (3-hydroxy-3-methylglutaryl-CoA lyase; minus strand). Cytogenetic location: 1p36.11.
Variant type: single nucleotide variant.
Coding change: c.145-13C>T on transcript NM_000191.3 (MANE Select); 13 bases into the intron before coding-DNA position 145, C replaced by T.
Molecular consequence: intron variant.
Genome position (GRCh38, 1-based): chr1:23,817,596, G>A on the plus strand (C>T on the coding strand, the complement: HMGCL is on the minus strand). VCF-style: chr1-23817596-G-A. GRCh37 (hg19) VCF-style: chr1-24144086-G-A.
Other names: c.145-13C>T (NM_001166059.2).
Identifiers: ClinVar variation 386083 (VCV000386083.9), dbSNP rs762224192, ClinGen allele CA686178.

ClinVar aggregate classification (germline): Likely benign. Review status: criteria provided, multiple submitters, no conflicts (2 of 4 stars). 3 submissions from 3 submitters: Likely benign (3). Last evaluated 2024-03-02.

Conditions:
Deficiency of hydroxymethylglutaryl-CoA lyase (HMGCLD). Also called: HMGCL DEFICIENCY; HYDROXYMETHYLGLUTARIC ACIDURIA; HMG-CoA LYASE DEFICIENCY; Defect in leucine metabolism; 3-hydroxy-3-methylglutaric aciduria. Identifiers: Orphanet 20, MedGen C1533587, MONDO:0009520, OMIM 246450.

Allele frequency attached by ClinVar (database versions not stated): gnomAD exomes below 0.00001; ExAC 0.00001; TOPMed 0.00002; gnomAD 0.00004.
gnomAD v4.1: 24 of 1,527,380 alleles (0.0016%); highest among the groups gnomAD compares: Non-Finnish European, 0.0019%; no homozygotes.

Submissions (3):

Labcorp Genetics (formerly Invitae), Labcorp
Classification: Likely benign for Deficiency of hydroxymethylglutaryl-CoA lyase. Last evaluated: 2024-03-02. Review status: criteria provided, single submitter. Criteria: Invitae Variant Classification Sherloc (09022015). Collection method: clinical testing. Allele origin: germline.

Genome-Nilou Lab
Classification: Likely benign for Deficiency of hydroxymethylglutaryl-CoA lyase. Last evaluated: 2023-04-11. Review status: criteria provided, single submitter. Criteria: ACMG Guidelines, 2015. Collection method: clinical testing. Allele origin: germline. Affected: no.

GeneDx
Classification: Likely benign. Last evaluated: 2016-05-19. Review status: criteria provided, single submitter. Criteria: GeneDx Variant Classification (06012015). Collection method: clinical testing. Allele origin: germline. Affected: yes.
Comment: This variant is considered likely benign or benign based on one or more of the following criteria: it is a conservative change, it occurs at a poorly conserved position in the protein, it is predicted to be benign by multiple in silico algorithms, and/or has population frequency not consistent with disease.